The following is an entry in ClinVar:

ClinVar aggregate classification (germline): Pathogenic/Likely pathogenic. Review status: criteria provided, multiple submitters, no conflicts (2 of 4 stars). 5 submissions from 5 submitters: Pathogenic (3); Likely pathogenic (2). Last evaluated 2026-01-01.

Conditions:
3-methylglutaconic aciduria with deafness, encephalopathy, and Leigh-like syndrome (MEGDEL). Also called: 3-METHYLGLUTACONIC ACIDURIA, TYPE VI; SERAC1 Deficiency; MEGDEL syndrome. Identifiers: Orphanet 352328, MedGen C4040739, MONDO:0013875, OMIM 614739.

Allele frequency attached by ClinVar (database versions not stated): TOPMed 0.00002; gnomAD 0.00003; gnomAD exomes 0.00001.
gnomAD v4.1: 12 of 1,610,576 alleles (0.00075%); highest among the groups gnomAD compares: Middle Eastern, 0.016%; no homozygotes.

Submissions (5):

CeGaT Center for Human Genetics Tuebingen
Classification: Pathogenic. Last evaluated: 2026-01-01. Review status: criteria provided, single submitter. Criteria: CeGaT Center For Human Genetics Tuebingen Variant Classification Criteria Version 2. Collection method: clinical testing. Allele origin: germline. Affected: yes. Observed: 3 variant alleles.
Comment: SERAC1: PVS1, PM2, PM3:Supporting

Genome-Nilou Lab
Classification: Likely pathogenic for 3-methylglutaconic aciduria with deafness, encephalopathy, and Leigh-like syndrome. Last evaluated: 2022-03-15. Review status: criteria provided, single submitter. Criteria: ACMG Guidelines, 2015. Collection method: clinical testing. Allele origin: germline. Affected: no.

GeneDx
Classification: Pathogenic. Last evaluated: 2022-01-05. Review status: criteria provided, single submitter. Criteria: GeneDx Variant Classification Process June 2021. Collection method: clinical testing. Allele origin: germline. Affected: yes.
Comment: Has not been previously published as pathogenic or benign to our knowledge; Nonsense variant predicted to result in protein truncation or nonsense mediated decay in a gene for which loss-of-function is a known mechanism of disease

Molecular Diagnostics Laboratory, M Health Fairview: University of Minnesota
Classification: Pathogenic for 3-methylglutaconic aciduria with deafness, encephalopathy, and Leigh-like syndrome. Last evaluated: 2021-05-11. Review status: criteria provided, single submitter. Criteria: ACMG Guidelines, 2015. Collection method: clinical testing. Allele origin: germline. Affected: yes.

Center for Pediatric Genomic Medicine, Children's Mercy Hospital and Clinics
Classification: Likely pathogenic. Last evaluated: 2017-08-31. Review status: criteria provided, single submitter. Criteria: ACMG Guidelines, 2015. Collection method: clinical testing. Allele origin: germline.

NM_032861.4(SERAC1):c.1159C>T (p.Arg387Ter)

Gene: SERAC1 (serine active site containing 1; minus strand). Cytogenetic location: 6q25.3.
Variant type: single nucleotide variant.
Coding change: c.1159C>T on transcript NM_032861.4 (MANE Select); coding-DNA position 1159, C replaced by T.
Protein change: p.Arg387Ter; replaces arginine 387 with a stop codon.
Molecular consequence: nonsense. On other transcripts: non-coding transcript variant (1).
Genome position (GRCh38, 1-based): chr6:158,120,432, G>A on the plus strand (C>T on the coding strand, the complement: SERAC1 is on the minus strand). VCF-style: chr6-158120432-G-A. GRCh37 (hg19) VCF-style: chr6-158541464-G-A.
Other names: short protein forms R387*.
Identifiers: ClinVar variation 445812 (VCV000445812.10), dbSNP rs1220930025, ClinGen allele CA366258617.